The following is an entry in ClinVar:

NM_031885.5(BBS2):c.345+4A>G

Gene: BBS2 (Bardet-Biedl syndrome 2; minus strand). Cytogenetic location: 16q13.
Variant type: single nucleotide variant.
Coding change: c.345+4A>G on transcript NM_031885.5 (MANE Select); 4 bases into the intron after coding-DNA position 345, A replaced by G.
Molecular consequence: intron variant.
Genome position (GRCh38, 1-based): chr16:56,514,449, T>C on the plus strand (A>G on the coding strand, the complement: BBS2 is on the minus strand). VCF-style: chr16-56514449-T-C. GRCh37 (hg19) VCF-style: chr16-56548361-T-C.
Other names: c.345+4A>G (NM_001377456.1).
Identifiers: ClinVar variation 2173656 (VCV002173656.1), dbSNP rs749718244, ClinGen allele CA721960484.

ClinVar aggregate classification (germline): Uncertain significance (1 of 4 stars; one submission).

Conditions:
Bardet-Biedl syndrome (BBS). Identifiers: Orphanet 110, MedGen C0752166, MONDO:0015229.

gnomAD v4.1: 6 of 1,612,324 alleles (0.00037%); highest among the groups gnomAD compares: African/African-American, 0.0013%; no homozygotes.

Submission:

Labcorp Genetics (formerly Invitae), Labcorp
Classification: Uncertain significance for Bardet-Biedl syndrome. Last evaluated: 2022-03-04. Review status: criteria provided, single submitter. Criteria: Invitae Variant Classification Sherloc (09022015). Collection method: clinical testing. Allele origin: germline.
Comment: This sequence change falls in intron 2 of the BBS2 gene. It does not directly change the encoded amino acid sequence of the BBS2 protein. It affects a nucleotide within the consensus splice site. This variant is not present in population databases (gnomAD no frequency). This variant has not been reported in the literature in individuals affected with BBS2-related conditions. Variants that disrupt the consensus splice site are a relatively common cause of aberrant splicing (PMID: 17576681, 9536098). Algorithms developed to predict the effect of sequence changes on RNA splicing suggest that this variant may create or strengthen a splice site. In summary, the available evidence is currently insufficient to determine the role of this variant in disease. Therefore, it has been classified as a Variant of Uncertain Significance.

Literature cited by the submitters: PubMed 17576681; PubMed 9536098.